The following is an entry in ClinVar:

ClinVar aggregate classification (germline): Likely benign. Review status: criteria provided, multiple submitters, no conflicts (2 of 4 stars). 2 submissions from 2 submitters: Likely benign (2). Last evaluated 2026-01-13.

Conditions:
Arrhythmogenic right ventricular dysplasia 10. Also called: ARRHYTHMOGENIC RIGHT VENTRICULAR DYSPLASIA, FAMILIAL, 10; Arrhythmogenic right ventricular dysplasia/cardiomyopathy, type 10; Arrhythmogenic Right Ventricular Dysplasia/Cardiomyopathy10. Identifiers: MedGen C1857777, MONDO:0012434, OMIM 610193.

Submissions (2):

Labcorp Genetics (formerly Invitae), Labcorp
Classification: Likely benign for Arrhythmogenic right ventricular dysplasia 10. Last evaluated: 2026-01-13. Review status: criteria provided, single submitter. Criteria: Invitae Variant Classification Sherloc (09022015). Collection method: clinical testing. Allele origin: germline.

GeneDx
Classification: Likely benign. Last evaluated: 2018-06-04. Review status: criteria provided, single submitter. Criteria: GeneDx Variant Classification (06012015). Collection method: clinical testing. Allele origin: germline. Affected: yes.
Comment: This variant is considered likely benign or benign based on one or more of the following criteria: it is a conservative change, it occurs at a poorly conserved position in the protein, it is predicted to be benign by multiple in silico algorithms, and/or has population frequency not consistent with disease.

NM_001943.5(DSG2):c.379-22_379-18del

Gene: DSG2 (desmoglein 2; plus strand). Cytogenetic location: 18q12.1.
Variant type: Deletion.
Coding change: c.379-22_379-18del on transcript NM_001943.5 (MANE Select); 22 bases into the intron before coding-DNA position 379 through 18 bases into the intron before coding-DNA position 379, 5 bases deleted (CTTAT; older notation c.379-22_379-18delCTTAT).
Molecular consequence: intron variant.
Genome position (GRCh38, 1-based): chr18:31,521,077-31,521,081, CTTAT deleted; deleting any 5 consecutive bases within chr18:31,521,075-31,521,081 gives the same sequence; the c. name uses the placement nearest the transcript's 3' end. VCF-style (leftmost placement, unchanged base first): chr18-31521074-AATCTT-A. GRCh37 (hg19) VCF-style: chr18-29101037-AATCTT-A.
Identifiers: ClinVar variation 669068 (VCV000669068.4), dbSNP rs1598810622, ClinGen allele CA915952483.
Genomic context (GRCh38, chr18:31,521,074, plus strand): 5'-TAAGTGTCATTTGTTTTATTTTTTCATAGTATGGTAATTTAGTTTTCTTAGCTTAAATCT[AATCTT>A]ATTTATGTCATGATTTCAGCTAACAGGTTACGCTTTGGATGCAAGAGGAAACAATGTAGA-3'